The following is an entry in ClinVar:

NM_000090.4(COL3A1):c.811C>T (p.Arg271Ter)

Gene: COL3A1 (collagen type III alpha 1 chain; plus strand). Cytogenetic location: 2q32.2.
Variant type: single nucleotide variant.
Coding change: c.811C>T on transcript NM_000090.4 (MANE Select); coding-DNA position 811, C replaced by T.
Protein change: p.Arg271Ter; replaces arginine 271 with a stop codon.
Molecular consequence: nonsense.
Genome position (GRCh38, 1-based): chr2:188,991,016, C>T. VCF-style: chr2-188991016-C-T. GRCh37 (hg19) VCF-style: chr2-189855742-C-T.
Other names: short protein forms R271*.
Identifiers: ClinVar variation 381616 (VCV000381616.28), dbSNP rs1057521106, ClinGen allele CA16603961.

ClinVar aggregate classification (germline): Pathogenic. Review status: criteria provided, multiple submitters, no conflicts (2 of 4 stars). 7 submissions from 7 submitters: Pathogenic (7). Last evaluated 2026-08-15.

Conditions:
COL3A1-related disorder. Also called: COL3A1-related condition.
Familial aortopathy. Identifiers: MedGen CN078214.
Familial thoracic aortic aneurysm and aortic dissection (TAAD). Also called: Thoracic aortic aneurysms and dissections. Identifiers: Orphanet 91387, MedGen C4707243, MONDO:0019625.
Ehlers-Danlos syndrome, type 4 (EDSVASC). Also called: Ehlers-Danlos Syndrome Type IV; Ehlers-Danlos syndrome vascular type; Ehlers Danlos syndrome, ecchymotic type; Ehlers Danlos syndrome, arterial type; Ehlers Danlos syndrome, Sack-Barabas type. Identifiers: Orphanet 286, MedGen C0268338, MONDO:0017314, OMIM 130050.

gnomAD v4.1: 3 of 1,612,846 alleles (0.00019%); highest among the groups gnomAD compares: Non-Finnish European, 0.00025%; no homozygotes.

Submissions (7):

GeneDx
Classification: Pathogenic. Last evaluated: 2026-08-15. Review status: criteria provided, single submitter. Criteria: GeneDx Variant Classification Process June 2021. Collection method: clinical testing. Allele origin: germline.
Comment: Not observed at significant frequency in large population cohorts (gnomAD); Nonsense variant predicted to result in protein truncation or nonsense mediated decay in a gene for which loss of function is a known mechanism of disease; This variant is associated with the following publications: (PMID: 27168972, 25758994, 31727422, 30919682, 30474650, 35543214, 25644172, 30786240)

Labcorp Genetics (formerly Invitae), Labcorp
Classification: Pathogenic for Ehlers-Danlos syndrome, type 4. Last evaluated: 2025-10-29. Review status: criteria provided, single submitter. Criteria: Invitae Variant Classification Sherloc (09022015). Collection method: clinical testing. Allele origin: germline.
Comment: This sequence change creates a premature translational stop signal (p.Arg271*) in the COL3A1 gene. It is expected to result in an absent or disrupted protein product. Loss-of-function variants in COL3A1 are known to be pathogenic (PMID: 24922459). This variant is not present in population databases (gnomAD no frequency). This premature translational stop signal has been observed in individual(s) with limb malformations and thoracic aortic aneurysm and/or dissection (PMID: 25644172, 25758994, 27168972). ClinVar contains an entry for this variant (Variation ID: 381616). For these reasons, this variant has been classified as Pathogenic.

Blueprint Genetics
Classification: Pathogenic for COL3A1-related disorders. Last evaluated: 2024-08-14. Review status: criteria provided, single submitter. Criteria: ACMG Guidelines, 2015. Collection method: clinical testing. Allele origin: germline. Affected: yes. Observed: 3 variant alleles.

Ambry Genetics
Classification: Pathogenic for Familial thoracic aortic aneurysm and aortic dissection. Last evaluated: 2024-05-29. Review status: criteria provided, single submitter. Criteria: Ambry Variant Classification Scheme 2023. Collection method: clinical testing. Allele origin: germline.
Comment: The p.R271* pathogenic mutation (also known as c.811C>T), located in coding exon 11 of the COL3A1 gene, results from a C to T substitution at nucleotide position 811. This changes the amino acid from an arginine to a stop codon within coding exon 11. This variant has been detected in individuals with features of vascular Ehlers-Danlos syndrome including vascular aneurysm or dissection (Frank M et al. Eur J Hum Genet, 2015 Dec;23:1657-64; Campens L et al. Orphanet J Rare Dis, 2015 Feb;10:9), and has also been detected in a fetus and relative with limb defects (Pangalos C et al. PeerJ, 2016 Apr;4:e1955). This variant is considered to be rare based on population cohorts in the Genome Aggregation Database (gnomAD). In addition to the clinical data presented in the literature, this alteration is expected to result in loss of function by premature protein truncation or nonsense-mediated mRNA decay. As such, this alteration is interpreted as a disease-causing mutation.

Women's Health and Genetics/Laboratory Corporation of America, LabCorp
Classification: Pathogenic for Familial aortopathy. Last evaluated: 2024-04-02. Review status: criteria provided, single submitter. Criteria: LabCorp Variant Classification Summary - May 2015. Collection method: clinical testing. Allele origin: germline.
Comment: Variant summary: COL3A1 c.811C>T (p.Arg271X) results in a premature termination codon, predicted to cause absence of the protein due to nonsense mediated decay, which is a commonly known mechanism for disease. The variant was absent in 251120 control chromosomes. c.811C>T has been reported in the literature in at-least one individual affected with Vascular Ehlers-Danlos Syndrome (example, Henneton_2019). To our knowledge, no experimental evidence demonstrating an impact on protein function has been reported. The following publication have been ascertained in the context of this evaluation (PMID: 30786240). ClinVar contains an entry for this variant (Variation ID: 381616). Based on the evidence outlined above, the variant was classified as pathogenic.

ARUP Laboratories, Molecular Genetics and Genomics, ARUP Laboratories
Classification: Pathogenic. Last evaluated: 2020-04-20. Review status: criteria provided, single submitter. Criteria: ARUP Molecular Germline Variant Investigation Process. Collection method: clinical testing. Allele origin: germline.
Comment: The COL3A1 c.811C>T; p.Arg271Ter variant (rs1057521106) is reported in the literature in several individuals affected with vascular Ehlers-Danlos syndrome or a related aortopathy, as well as a fetus and relative with limb defects (Campens 2015, Frank 2015, Pangalos 2016). This variant is absent from general population databases (Exome Variant Server, Genome Aggregation Database), indicating it is not a common polymorphism. This variant induces an early termination codon and is predicted to result in a truncated protein or mRNA subject to nonsense-mediated decay. Based on available information, this variant is considered to be pathogenic. References: Campens L et al. Gene panel sequencing in heritable thoracic aortic disorders and related entities - results of comprehensive testing in a cohort of 264 patients. Orphanet J Rare Dis. 2015 Feb 3;10:9. Frank M et al. The type of variants at the COL3A1 gene associates with the phenotype and severity of vascular Ehlers-Danlos syndrome. Eur J Hum Genet. 2015 Dec;23(12):1657-64. Pangalos C et al. First applications of a targeted exome sequencing approach in fetuses with ultrasound abnormalities reveals an important fraction of cases with associated gene defects. PeerJ. 2016 Apr 26;4:e1955.

Laboratory for Molecular Medicine, Mass General Brigham Personalized Medicine
Classification: Pathogenic for Ehlers-Danlos syndrome, type 4. Last evaluated: 2018-03-19. Review status: criteria provided, single submitter. Criteria: ACMG Guidelines, 2015. Collection method: clinical testing. Allele origin: germline.
Comment: The p.Arg271X variant in COL3A1 has been reported in two Caucasian individuals with clinical features of vascular Ehlers-Danlos syndrome (Frank 2015, Campens 2015). It was also reported in one fetus with multiple limb defects, father (clinical status not reported), and paternal uncle with limb defects (Pangalos 2016). It was absent from large population studies. This nonsense variant leads to a premature termination codon at position 271, which is predicted to lead to a truncated or absent protein. Heterozygous loss of function of the COL3A1 gene is an established disease mechanism in Ehlers-Danlos syndrome and is associated with late-onset, reduced penetrance, and possibly a milder clinical course (Leistritz 2011, Frank 2015). In summary, this variant is pathogenic. ACMG/AMP Criteria applied: PVS1; PM2; PS4_Supporing.

Literature cited by the submitters: PubMed 24922459 (cited by Labcorp Genetics (formerly Invitae), Labcorp and Laboratory for Molecular Medicine, Mass General Brigham Personalized Medicine); PubMed 25644172 (cited by 3 submitters); PubMed 25758994 (cited by 3 submitters); PubMed 27168972 (cited by 3 submitters); PubMed 30786240 (cited by Women's Health and Genetics/Laboratory Corporation of America, LabCorp); PubMed 21637106 (cited by Laboratory for Molecular Medicine, Mass General Brigham Personalized Medicine).